The following is an entry in ClinVar:

NM_018706.7(DHTKD1):c.847A>G (p.Met283Val)

Gene: DHTKD1 (dehydrogenase E1 and transketolase domain containing 1; plus strand). Cytogenetic location: 10p14.
Variant type: single nucleotide variant.
Coding change: c.847A>G on transcript NM_018706.7 (MANE Select); coding-DNA position 847, A replaced by G.
Protein change: p.Met283Val; replaces methionine 283 with valine.
Molecular consequence: missense variant.
Genome position (GRCh38, 1-based): chr10:12,089,115, A>G. VCF-style: chr10-12089115-A-G. GRCh37 (hg19) VCF-style: chr10-12131114-A-G.
Other names: short protein forms M283V.
Identifiers: ClinVar variation 1053636 (VCV001053636.9), dbSNP rs145337285, ClinGen allele CA5407665.

ClinVar aggregate classification (germline): Uncertain significance. Review status: criteria provided, multiple submitters, no conflicts (2 of 4 stars). 3 submissions from 3 submitters: Uncertain significance (2). 1 of the submissions does not count toward it. Last evaluated 2026-01-14.

Conditions:
2-aminoadipic 2-oxoadipic aciduria (AAKAD). Also called: Aminoadipic aciduria; ALPHA-AMINOADIPIC AND ALPHA-KETOADIPIC ACIDURIA. Identifiers: Orphanet 79154, MedGen C1859817, MONDO:0008774, OMIM 204750.
Charcot-Marie-Tooth disease axonal type 2Q. Also called: CHARCOT-MARIE-TOOTH NEUROPATHY, TYPE 2Q; CHARCOT-MARIE-TOOTH DISEASE, AXONAL, AUTOSOMAL DOMINANT, TYPE 2Q. Identifiers: Orphanet 329258, MedGen C3554366, MONDO:0014012, OMIM 615025.

Allele frequency attached by ClinVar (database versions not stated): ESP Exome Variant Server 0.00015; gnomAD 0.00021 and 0.00024; TOPMed 0.00022; 1000 Genomes Project 0.00040; gnomAD exomes 0.00045; ExAC 0.00056; 1000 Genomes Project 30x 0.00062.

Submissions (3):

Labcorp Genetics (formerly Invitae), Labcorp
Classification: Uncertain significance for 2-aminoadipic 2-oxoadipic aciduria. Last evaluated: 2026-01-14. Review status: criteria provided, single submitter. Criteria: Invitae Variant Classification Sherloc (09022015). Collection method: clinical testing. Allele origin: germline.
Comment: This sequence change replaces methionine, which is neutral and non-polar, with valine, which is neutral and non-polar, at codon 283 of the DHTKD1 protein (p.Met283Val). This variant is present in population databases (rs145337285, gnomAD 0.1%). This variant has not been reported in the literature in individuals affected with DHTKD1-related conditions. ClinVar contains an entry for this variant (Variation ID: 1053636). Invitae Evidence Modeling of protein sequence and biophysical properties (such as structural, functional, and spatial information, amino acid conservation, physicochemical variation, residue mobility, and thermodynamic stability) indicates that this missense variant is not expected to disrupt DHTKD1 protein function with a negative predictive value of 80%. In summary, the available evidence is currently insufficient to determine the role of this variant in disease. Therefore, it has been classified as a Variant of Uncertain Significance.

Breakthrough Genomics
Classification: Uncertain significance. Review status: criteria provided, single submitter. Criteria: ACMG Guidelines, 2015. Collection method: not provided. Allele origin: germline. Inheritance: Autosomal recessive inheritance. Affected: yes.

Institute of Human Genetics, University of Wuerzburg
Classification: Uncertain significance for Charcot-Marie-Tooth disease axonal type 2Q. Review status: no assertion criteria provided. Collection method: clinical testing. Allele origin: unknown. Affected: yes. Observed: 1 variant allele. Not counted in ClinVar's aggregate classification.